The following is an entry in ClinVar:

NM_003835.4(RGS9):c.1136G>A (p.Gly379Glu)

Gene: RGS9 (regulator of G protein signaling 9; plus strand). Cytogenetic location: 17q24.1.
Variant type: single nucleotide variant.
Coding change: c.1136G>A on transcript NM_003835.4 (MANE Select); coding-DNA position 1136, G replaced by A.
Protein change: p.Gly379Glu; replaces glycine 379 with glutamic acid.
Molecular consequence: missense variant.
Genome position (GRCh38, 1-based): chr17:65,204,234, G>A. VCF-style: chr17-65204234-G-A. GRCh37 (hg19) VCF-style: chr17-63200352-G-A.
Other names: c.1127G>A, p.Gly376Glu (NM_001081955.3, NM_001165933.2); short protein forms G379E, G376E.
Identifiers: ClinVar variation 1524124 (VCV001524124.6), dbSNP rs201229976, ClinGen allele CA8717937.

ClinVar aggregate classification (germline): Uncertain significance (1 of 4 stars; one submission).

Allele frequency attached by ClinVar (database versions not stated): 1000 Genomes Project 0.00020; 1000 Genomes Project 30x 0.00031.
gnomAD v4.1: 2 of 1,613,456 alleles (0.00012%); highest among the groups gnomAD compares: African/African-American, 0.0013%; no homozygotes.

Submission:

Labcorp Genetics (formerly Invitae), Labcorp
Classification: Uncertain significance. Last evaluated: 2022-07-19. Review status: criteria provided, single submitter. Criteria: Invitae Variant Classification Sherloc (09022015). Collection method: clinical testing. Allele origin: germline.
Comment: This sequence change replaces glycine, which is neutral and non-polar, with glutamic acid, which is acidic and polar, at codon 379 of the RGS9 protein (p.Gly379Glu). This variant is present in population databases (rs201229976, gnomAD 0.007%). In summary, the available evidence is currently insufficient to determine the role of this variant in disease. Therefore, it has been classified as a Variant of Uncertain Significance. Algorithms developed to predict the effect of missense changes on protein structure and function (SIFT, PolyPhen-2, Align-GVGD) all suggest that this variant is likely to be disruptive. ClinVar contains an entry for this variant (Variation ID: 1524124). This variant has not been reported in the literature in individuals affected with RGS9-related conditions.